The following is an entry in ClinVar:

ClinVar aggregate classification (germline): Uncertain significance (1 of 4 stars; one submission).

Conditions:
Arrhythmogenic right ventricular cardiomyopathy (ARVD). Also called: Arrhythmogenic right ventricular dysplasia; Cardiomyopathy, ARVC; Arrhythmogenic cardiomyopathy; Arrhythmogenic Right Ventricular Cardiomyopathy (ARVC). Identifiers: Orphanet 247, MedGen C0349788, MeSH D019571, MONDO:0016587. Disease mechanism: loss of function. Inheritance: Various modes of inheritance.

gnomAD v4.1: 2 of 1,614,158 alleles (0.00012%); highest among the groups gnomAD compares: Non-Finnish European, 0.00017%; no homozygotes.

Submission:

All of Us Research Program, National Institutes of Health
Classification: Uncertain significance for Arrhythmogenic right ventricular cardiomyopathy. Last evaluated: 2024-03-24. Review status: criteria provided, single submitter. Criteria: ACMG Guidelines, 2015. Collection method: clinical testing. Allele origin: germline. Inheritance: Autosomal dominant inheritance. Observed: 1 variant allele, 1 heterozygote.
Comment: This missense variant replaces serine with arginine at codon 650 of the PKP2 protein. Computational prediction suggests that this variant may not impact protein structure and function (internally defined REVEL score threshold <= 0.5, PMID: 27666373). To our knowledge, functional studies have not been reported for this variant. This variant has not been reported in individuals affected with PKP2-related disorders in the literature. This variant has not been identified in the general population by the Genome Aggregation Database (gnomAD). The available evidence is insufficient to determine the role of this variant in disease conclusively. Therefore, this variant is classified as a Variant of Uncertain Significance.

This study involves interpretation of variants in research participants for the purpose of population health screening. Participant phenotype was not available at the time of variant classification. Additional details can be found in publication PMID: 35346344, PMCID: PMC8962531

NM_001005242.3(PKP2):c.1816A>C (p.Ser606Arg)

Gene: PKP2 (plakophilin 2; minus strand). Cytogenetic location: 12p11.21.
Variant type: single nucleotide variant.
Coding change: c.1816A>C on transcript NM_001005242.3 (MANE Select); coding-DNA position 1816, A replaced by C.
Protein change: p.Ser606Arg; replaces serine 606 with arginine.
Molecular consequence: missense variant. On other transcripts: intron variant (1).
Genome position (GRCh38, 1-based): chr12:32,822,490, T>G on the plus strand (A>C on the coding strand, the complement: PKP2 is on the minus strand). VCF-style: chr12-32822490-T-G. GRCh37 (hg19) VCF-style: chr12-32975424-T-G.
Other names: c.1816A>C, p.Ser606Arg (NM_001407155.1, NM_001407161.1); c.1948A>C, p.Ser650Arg (NM_001407157.1, NM_004572.4); c.1489A>C, p.Ser497Arg (NM_001407158.1, NM_001407159.1, NM_001407160.1 and 1 more transcripts); c.1675-961A>C (NM_001407156.1); short protein forms S497R, S606R, S650R.
Identifiers: ClinVar variation 3387469 (VCV003387469.1).